The following is an entry in ClinVar:

NC_000010.11:g.30349291_30349292insCAA

Genes: MTPAP (mitochondrial poly(A) polymerase; minus strand), LOC130003598 (ATAC-STARR-seq lymphoblastoid active region 3207; plus strand). Cytogenetic location: 10p11.23.
Variant type: Insertion.
Genome position: GRCh38 VCF-style: chr10-30349289-A-AAAC. GRCh37 (hg19) VCF-style: chr10-30638218-A-AAAC.
Identifiers: ClinVar variation 4871911 (VCV004871911.2).

ClinVar aggregate classification (germline): Benign (1 of 4 stars; one submission).

Submission:

CeGaT Center for Human Genetics Tuebingen
Classification: Benign. Last evaluated: 2026-05-01. Review status: criteria provided, single submitter. Criteria: CeGaT Center For Human Genetics Tuebingen Variant Classification Criteria Version 2. Collection method: clinical testing. Allele origin: germline. Affected: yes. Observed: 1 variant allele.
Comment: MTPAP: BS1, BS2